The following is an entry in ClinVar:

NM_000059.4(BRCA2):c.7658_7660del (p.Asn2553del)

Gene: BRCA2 (BRCA2 DNA repair associated; plus strand). Cytogenetic location: 13q13.1.
Variant type: Deletion.
Coding change: c.7658_7660del on transcript NM_000059.4 (MANE Select); coding-DNA positions 7658 to 7660, 3 bases deleted (ACA; older notation c.7658_7660delACA).
Protein change: p.Asn2553del; deletes asparagine 2553.
Molecular consequence: inframe deletion.
Genome position (GRCh38, 1-based): chr13:32,357,782-32,357,784, ACA deleted; deleting any 3 consecutive bases within chr13:32,357,781-32,357,784 gives the same sequence; the c. name uses the placement nearest the transcript's 3' end. VCF-style (leftmost placement, unchanged base first): chr13-32357780-TAAC-T. GRCh37 (hg19) VCF-style: chr13-32931917-TAAC-T.
Other names: c.7658_7660delACA (NM_000059.3, NM_000059.4); short protein forms N2553del.
Identifiers: ClinVar variation 409478 (VCV000409478.14), dbSNP rs773148109, ClinGen allele CA6941127.
Genomic context (GRCh38, chr13:32,357,780, plus strand): 5'-TGTGTGTGTTTATTTTGTGTAGCTGTATACGTATGGCGTTTCTAAACATTGCATAAAAAT[TAAC>T]AGCAAAAATGCAGAGTCTTTTCAGTTTCACACTGAAGATTATTTTGGTAAGGAAAGTTTA-3'

ClinVar aggregate classification (germline): Uncertain significance. Review status: criteria provided, multiple submitters, no conflicts (2 of 4 stars). 3 submissions from 3 submitters: Uncertain significance (3). Last evaluated 2025-06-16.

Conditions:
Hereditary breast ovarian cancer syndrome. Also called: Hereditary breast and ovarian cancer; Hereditary breast and/or ovarian cancer syndrome; BRCA1- and BRCA2-Associated Hereditary Breast and Ovarian Cancer; Hereditary breast and ovarian cancer syndrome; Hereditary breast and ovarian cancer syndrome (HBOC); Breast and ovarian cancer. Identifiers: Orphanet 145, MedGen C0677776, MeSH D061325, MONDO:0003582. Disease mechanism: loss of function.
Hereditary cancer-predisposing syndrome. Also called: Tumor predisposition; Hereditary Cancer Syndrome; Hereditary neoplastic syndrome; Neoplastic Syndromes, Hereditary. Identifiers: Orphanet 140162, MedGen C0027672, MeSH D009386, MONDO:0015356.

Submissions (3):

Labcorp Genetics (formerly Invitae), Labcorp
Classification: Uncertain significance for Hereditary breast ovarian cancer syndrome. Last evaluated: 2025-06-16. Review status: criteria provided, single submitter. Criteria: Invitae Variant Classification Sherloc (09022015). Collection method: clinical testing. Allele origin: germline.
Comment: This variant, c.7658_7660del, results in the deletion of 1 amino acid(s) of the BRCA2 protein (p.Asn2553del), but otherwise preserves the integrity of the reading frame. This variant is present in population databases (rs773148109, gnomAD 0.002%). This variant has not been reported in the literature in individuals affected with BRCA2-related conditions. ClinVar contains an entry for this variant (Variation ID: 409478). Experimental studies and prediction algorithms are not available or were not evaluated, and the functional significance of this variant is currently unknown. In summary, the available evidence is currently insufficient to determine the role of this variant in disease. Therefore, it has been classified as a Variant of Uncertain Significance.

Ambry Genetics
Classification: Uncertain significance for Hereditary cancer-predisposing syndrome. Last evaluated: 2025-02-06. Review status: criteria provided, single submitter. Criteria: Ambry Variant Classification Scheme 2023. Collection method: clinical testing. Allele origin: germline.
Comment: The c.7658_7660delACA variant (also known as p.N2553del) is located in coding exon 15 of the BRCA2 gene. This variant results from an in-frame ACA deletion at nucleotide positions 7658 to 7660. This results in the in-frame deletion of an asparagine at codon 2553. This amino acid position is not well conserved in available vertebrate species. Based on the available evidence, the clinical significance of this variant remains unclear.

Women's Health and Genetics/Laboratory Corporation of America, LabCorp
Classification: Uncertain significance. Last evaluated: 2024-02-02. Review status: criteria provided, single submitter. Criteria: LabCorp Variant Classification Summary - May 2015. Collection method: clinical testing. Allele origin: germline.
Comment: Variant summary: BRCA2 c.7658_7660delACA (p.Asn2553del) results in an in-frame deletion that is predicted to remove one amino acid from the encoded protein. The variant allele was found at a frequency of 8e-06 in 251126 control chromosomes (gnomAD). The available data on variant occurrences in the general population are insufficient to allow any conclusion about variant significance. To our knowledge, no occurrence of c.7658_7660delACA in individuals affected with Hereditary Breast And Ovarian Cancer Syndrome and no experimental evidence demonstrating its impact on protein function have been reported. ClinVar contains an entry for this variant (Variation ID: 409478). Based on the evidence outlined above, the variant was classified as uncertain significance.